The following is an entry in ClinVar:

NM_006918.5(SC5D):c.162T>C (p.Tyr54=)

Gene: SC5D (sterol-C5-desaturase; plus strand). Cytogenetic location: 11q24.1.
Variant type: single nucleotide variant.
Coding change: c.162T>C on transcript NM_006918.5 (MANE Select); coding-DNA position 162, T replaced by C.
Protein change: p.Tyr54=; no amino-acid change (tyrosine 54 retained).
Molecular consequence: synonymous variant.
Genome position (GRCh38, 1-based): chr11:121,303,537, T>C. VCF-style: chr11-121303537-T-C. GRCh37 (hg19) VCF-style: chr11-121174246-T-C.
Other names: c.162T>C, p.Tyr54= (NM_001024956.3).
Identifiers: ClinVar variation 1975152 (VCV001975152.22), dbSNP rs756144892, ClinGen allele CA6328039.

ClinVar aggregate classification (germline): Likely benign. Review status: criteria provided, multiple submitters, no conflicts (2 of 4 stars). 2 submissions from 2 submitters: Likely benign (2). Last evaluated 2024-10-07.

Allele frequency attached by ClinVar (database versions not stated): gnomAD exomes below 0.00001; ExAC 0.00001; TOPMed 0.00002.
gnomAD v4.1: 3 of 1,614,044 alleles (0.00019%); highest among the groups gnomAD compares: Non-Finnish European, 0.00025%; no homozygotes.

Submissions (2):

Labcorp Genetics (formerly Invitae), Labcorp
Classification: Likely benign. Last evaluated: 2024-10-07. Review status: criteria provided, single submitter. Criteria: Invitae Variant Classification Sherloc (09022015). Collection method: clinical testing. Allele origin: germline.

CeGaT Center for Human Genetics Tuebingen
Classification: Likely benign. Last evaluated: 2024-07-01. Review status: criteria provided, single submitter. Criteria: CeGaT Center For Human Genetics Tuebingen Variant Classification Criteria Version 2. Collection method: clinical testing. Allele origin: germline. Affected: yes. Observed: 1 variant allele.
Comment: SC5D: BP4, BP7